The following is an entry in ClinVar:

NM_003477.3(PDHX):c.241+3G>A

Gene: PDHX (pyruvate dehydrogenase complex component X; plus strand). Cytogenetic location: 11p13.
Variant type: single nucleotide variant.
Coding change: c.241+3G>A on transcript NM_003477.3 (MANE Select); 3 bases into the intron after coding-DNA position 241, G replaced by A.
Molecular consequence: intron variant.
Genome position (GRCh38, 1-based): chr11:34,931,487, G>A. VCF-style: chr11-34931487-G-A. GRCh37 (hg19) VCF-style: chr11-34953034-G-A.
Other names: c.61+3G>A (NM_001135024.2); c.241+3G>A (NM_001166158.2).
Identifiers: ClinVar variation 138656 (VCV000138656.20), dbSNP rs78878052, ClinGen allele CA292736.

ClinVar aggregate classification (germline): Benign. Review status: criteria provided, multiple submitters, no conflicts (2 of 4 stars). 6 submissions from 6 submitters: Benign (4). 2 of the submissions do not count toward it. Last evaluated 2026-02-04.

Conditions:
PDHX-related disorder. Also called: PDHX-related condition.
Pyruvate dehydrogenase E3-binding protein deficiency (PDHXD). Also called: PYRUVATE HYDROGENASE E3-BINDING PROTEIN DEFICIENCY; Lacticacidemia due to PDX1 deficiency; E3-Binding Protein (Component X) Deficiency; LACTIC ACIDEMIA DUE TO DEFECT IN LIPOYL-CONTAINING COMPONENT X OF THE PYRUVATE DEHYDROGENASE COMPLEX. Identifiers: Orphanet 255182, MedGen C1855553, MONDO:0009503, OMIM 245349.

Allele frequency attached by ClinVar (database versions not stated): gnomAD exomes 0.00492 and 0.01254; ExAC 0.01656; gnomAD 0.04651 and 0.04995; 1000 Genomes Project 0.05252; TOPMed 0.05512; 1000 Genomes Project 30x 0.05543; ESP Exome Variant Server 0.05577.
gnomAD v4.1: 14,236 of 1,538,376 alleles (0.93%); highest among the groups gnomAD compares: African/African-American, 16%; 992 homozygotes.

Submissions (6):

Labcorp Genetics (formerly Invitae), Labcorp
Classification: Benign. Last evaluated: 2026-02-04. Review status: criteria provided, single submitter. Criteria: Invitae Variant Classification Sherloc (09022015). Collection method: clinical testing. Allele origin: germline.

Illumina Laboratory Services, Illumina
Classification: Benign for Pyruvate dehydrogenase E3-binding protein deficiency. Last evaluated: 2018-01-13. Review status: criteria provided, single submitter. Criteria: ICSL Variant Classification Criteria 13 December 2019. Collection method: clinical testing. Allele origin: germline.
Comment: This variant was observed in the ICSL laboratory as part of a predisposition screen in an ostensibly healthy population. It had not been previously curated by ICSL or reported in the Human Gene Mutation Database (HGMD: prior to June 1st, 2018), and was therefore a candidate for classification through an automated scoring system. Utilizing variant allele frequency, disease prevalence and penetrance estimates, and inheritance mode, an automated score was calculated to assess if this variant is too frequent to cause the disease. Based on the score and internal cut-off values, a variant classified as benign is not then subjected to further curation. The score for this variant resulted in a classification of benign for this disease.

GeneDx
Classification: Benign. Last evaluated: 2014-01-04. Review status: criteria provided, single submitter. Criteria: GeneDx Variant Classification (06012015). Collection method: clinical testing. Allele origin: germline. Affected: yes.
Comment: This variant is considered likely benign or benign based on one or more of the following criteria: it is a conservative change, it occurs at a poorly conserved position in the protein, it is predicted to be benign by multiple in silico algorithms, and/or has population frequency not consistent with disease.

Breakthrough Genomics
Classification: Benign. Review status: criteria provided, single submitter. Criteria: ACMG Guidelines, 2015. Collection method: not provided. Allele origin: germline. Inheritance: Autosomal recessive inheritance. Affected: yes.

PreventionGenetics, part of Exact Sciences
Classification: Benign for PDHX-related condition. Last evaluated: 2019-12-09. Review status: no assertion criteria provided. Collection method: clinical testing. Allele origin: germline. Not counted in ClinVar's aggregate classification.
Comment: This variant is classified as benign based on ACMG/AMP sequence variant interpretation guidelines (Richards et al. 2015 PMID: 25741868, with internal and published modifications).

Mayo Clinic Laboratories, Mayo Clinic
Classification: Benign. Last evaluated: 2017-08-22. Review status: no assertion criteria provided. Collection method: clinical testing. Allele origin: unknown. Not counted in ClinVar's aggregate classification.